The following is an entry in ClinVar:

NM_000368.5(TSC1):c.662A>C (p.Lys221Thr)

Gene: TSC1 (TSC complex subunit 1; minus strand). Cytogenetic location: 9q34.13.
Variant type: single nucleotide variant.
Coding change: c.662A>C on transcript NM_000368.5 (MANE Select); coding-DNA position 662, A replaced by C.
Protein change: p.Lys221Thr; replaces lysine 221 with threonine.
Molecular consequence: missense variant. On other transcripts: 5 prime UTR variant (5), non-coding transcript variant (5).
Genome position (GRCh38, 1-based): chr9:132,921,820, T>G on the plus strand (A>C on the coding strand, the complement: TSC1 is on the minus strand). VCF-style: chr9-132921820-T-G. GRCh37 (hg19) VCF-style: chr9-135797207-T-G.
Other names: c.662A>C, p.Lys221Thr (NM_001162426.2, NM_001406609.1, NM_001406599.1 and 16 more transcripts); c.509A>C, p.Lys170Thr (NM_001406610.1, NM_001406611.1, NM_001406612.1 and 2 more transcripts); c.299A>C, p.Lys100Thr (NM_001406614.1, NM_001406615.1, NM_001406616.1 and 10 more transcripts); c.-216A>C (NM_001406626.1, NM_001406627.1, NM_001406628.1); c.-358A>C (NM_001406629.1); c.-432A>C (NM_001406630.1); short protein forms K100T, K221T, K170T.
Identifiers: ClinVar variation 3720845 (VCV003720845.3).

ClinVar aggregate classification (germline): Uncertain significance. Review status: criteria provided, multiple submitters, no conflicts (2 of 4 stars). 2 submissions from 2 submitters: Uncertain significance (2). Last evaluated 2026-07-06.

Conditions:
Tuberous sclerosis 1 (TSC1). Identifiers: Orphanet 805, MedGen C1854465, MONDO:0008612, OMIM 191100.
Hereditary cancer-predisposing syndrome. Also called: Tumor predisposition; Hereditary neoplastic syndrome; Hereditary Cancer Syndrome; Neoplastic Syndromes, Hereditary. Identifiers: Orphanet 140162, MedGen C0027672, MeSH D009386, MONDO:0015356.

gnomAD v4.1: 2 of 1,614,188 alleles (0.00012%); highest among the groups gnomAD compares: Non-Finnish European, 0.00017%; no homozygotes.

Submissions (2):

Ambry Genetics
Classification: Uncertain significance for Hereditary cancer-predisposing syndrome. Last evaluated: 2026-07-06. Review status: criteria provided, single submitter. Criteria: Ambry Variant Classification Scheme 2023. Collection method: clinical testing. Allele origin: germline.
Comment: The p.K221T variant (also known as c.662A>C), located in coding exon 5 of the TSC1 gene, results from an A to C substitution at nucleotide position 662. The lysine at codon 221 is replaced by threonine, an amino acid with similar properties. This amino acid position is conserved. In addition, the in silico prediction for this alteration is inconclusive. Based on the available evidence, the clinical significance of this variant remains unclear.

Labcorp Genetics (formerly Invitae), Labcorp
Classification: Uncertain significance for Tuberous sclerosis 1. Last evaluated: 2024-10-17. Review status: criteria provided, single submitter. Criteria: Invitae Variant Classification Sherloc (09022015). Collection method: clinical testing. Allele origin: germline.
Comment: This sequence change replaces lysine, which is basic and polar, with threonine, which is neutral and polar, at codon 221 of the TSC1 protein (p.Lys221Thr). This variant is not present in population databases (gnomAD no frequency). This variant has not been reported in the literature in individuals affected with TSC1-related conditions. Invitae Evidence Modeling of protein sequence and biophysical properties (such as structural, functional, and spatial information, amino acid conservation, physicochemical variation, residue mobility, and thermodynamic stability) has been performed for this missense variant. However, the output from this modeling did not meet the statistical confidence thresholds required to predict the impact of this variant on TSC1 protein function. In summary, the available evidence is currently insufficient to determine the role of this variant in disease. Therefore, it has been classified as a Variant of Uncertain Significance.